The following is an entry in ClinVar:

ClinVar aggregate classification (germline): Uncertain significance (1 of 4 stars; one submission).

Conditions:
Developmental and epileptic encephalopathy, 23 (DEE23). Also called: Epileptic encephalopathy, early infantile, 23. Identifiers: Orphanet 411986, MedGen C4014492, MONDO:0014371, OMIM 615859.

Allele frequency attached by ClinVar (database versions not stated): gnomAD exomes below 0.00001.
gnomAD v4.1: 1 of 1,609,302 alleles (0.000062%); highest among the groups gnomAD compares: Admixed American, 0.0017%; no homozygotes.

Submission:

Labcorp Genetics (formerly Invitae), Labcorp
Classification: Uncertain significance for Developmental and epileptic encephalopathy, 23. Last evaluated: 2019-07-30. Review status: criteria provided, single submitter. Criteria: Invitae Variant Classification Sherloc (09022015). Collection method: clinical testing. Allele origin: germline.
Comment: Algorithms developed to predict the effect of missense changes on protein structure and function (SIFT, PolyPhen-2, Align-GVGD) all suggest that this variant is likely to be tolerated, but these predictions have not been confirmed by published functional studies and their clinical significance is uncertain. In summary, the available evidence is currently insufficient to determine the role of this variant in disease. Therefore, it has been classified as a Variant of Uncertain Significance. This variant has not been reported in the literature in individuals with DOCK7-related conditions. This variant is not present in population databases (ExAC no frequency). This sequence change replaces serine with cysteine at codon 252 of the DOCK7 protein (p.Ser252Cys). The serine residue is moderately conserved and there is a moderate physicochemical difference between serine and cysteine.

NM_001367561.1(DOCK7):c.754A>T (p.Ser252Cys)

Gene: DOCK7 (dedicator of cytokinesis 7; minus strand). Cytogenetic location: 1p31.3.
Variant type: single nucleotide variant.
Coding change: c.754A>T on transcript NM_001367561.1 (MANE Select); coding-DNA position 754, A replaced by T.
Protein change: p.Ser252Cys; replaces serine 252 with cysteine.
Molecular consequence: missense variant.
Genome position (GRCh38, 1-based): chr1:62,647,755, T>A on the plus strand (A>T on the coding strand, the complement: DOCK7 is on the minus strand). VCF-style: chr1-62647755-T-A. GRCh37 (hg19) VCF-style: chr1-63113426-T-A.
Other names: c.754A>T, p.Ser252Cys (NM_001271999.2, NM_001272000.2, NM_001272001.2 and 3 more transcripts); short protein forms S252C.
Identifiers: ClinVar variation 962068 (VCV000962068.10), dbSNP rs1656850461, ClinGen allele CA340626526.